The following is an entry in ClinVar:

NM_000127.3(EXT1):c.1857G>A (p.Val619=)

Gene: EXT1 (exostosin glycosyltransferase 1; minus strand). Cytogenetic location: 8q24.11.
Variant type: single nucleotide variant.
Coding change: c.1857G>A on transcript NM_000127.3 (MANE Select); coding-DNA position 1857, G replaced by A.
Protein change: p.Val619=; no amino-acid change (valine 619 retained).
Molecular consequence: synonymous variant.
Genome position (GRCh38, 1-based): chr8:117,807,243, C>T on the plus strand (G>A on the coding strand, the complement: EXT1 is on the minus strand). VCF-style: chr8-117807243-C-T. GRCh37 (hg19) VCF-style: chr8-118819482-C-T.
Identifiers: ClinVar variation 4695883 (VCV004695883.1).

ClinVar aggregate classification (germline): Uncertain significance (1 of 4 stars; one submission).

Conditions:
Multiple congenital exostosis (EXT). Also called: Multiple exostoses; Hereditary multiple osteochondromas; Hereditary multiple exostoses; Hereditary multiple exostosis; MULTIPLE CARTILAGINOUS EXOSTOSES; Multiple osteochondromas. Identifiers: Orphanet 321, MedGen C0015306, MONDO:0005508, HP:0002762.

Submission:

Labcorp Genetics (formerly Invitae), Labcorp
Classification: Uncertain significance for Multiple congenital exostosis. Last evaluated: 2025-07-10. Review status: criteria provided, single submitter. Criteria: Invitae Variant Classification Sherloc (09022015). Collection method: clinical testing. Allele origin: germline.
Comment: This sequence change affects codon 619 of the EXT1 mRNA. It is a 'silent' change, meaning that it does not change the encoded amino acid sequence of the EXT1 protein. This variant is not present in population databases (gnomAD no frequency). This variant has not been reported in the literature in individuals affected with EXT1-related conditions. Algorithms developed to predict the effect of sequence changes on RNA splicing suggest that this variant may create or strengthen a splice site. In summary, the available evidence is currently insufficient to determine the role of this variant in disease. Therefore, it has been classified as a Variant of Uncertain Significance.